The following is an entry in ClinVar:

ClinVar aggregate classification (germline): Likely benign (1 of 4 stars; one submission).

gnomAD v4.1: 2 of 1,614,190 alleles (0.00012%); highest among the groups gnomAD compares: Admixed American, 0.0017%; no homozygotes.

Submission:

CeGaT Center for Human Genetics Tuebingen
Classification: Likely benign. Last evaluated: 2026-09-01. Review status: criteria provided, single submitter. Criteria: CeGaT Center For Human Genetics Tuebingen Variant Classification Criteria Version 2. Collection method: clinical testing. Allele origin: germline. Affected: yes. Observed: 1 variant allele.
Comment: BTD: BP4, BP7

NM_001370658.1(BTD):c.768C>T (p.Leu256=)

Gene: BTD (biotinidase; plus strand). Cytogenetic location: 3p25.1.
Variant type: single nucleotide variant.
Coding change: c.768C>T on transcript NM_001370658.1 (MANE Select); coding-DNA position 768, C replaced by T.
Protein change: p.Leu256=; no amino-acid change (leucine 256 retained).
Molecular consequence: synonymous variant. On other transcripts: intron variant (6).
Genome position (GRCh38, 1-based): chr3:15,644,684, C>T. VCF-style: chr3-15644684-C-T. GRCh37 (hg19) VCF-style: chr3-15686191-C-T.
Other names: c.768C>T, p.Leu256= (NM_001407365.1, NM_001407366.1, NM_001407367.1 and 18 more transcripts); c.399+2627C>T (NM_001370753.1, NM_001407400.1, NM_001407401.1 and 3 more transcripts).
Identifiers: ClinVar variation 5041135 (VCV005041135.1).